The following is an entry in ClinVar:

NM_019066.5(MAGEL2):c.1404C>A (p.Ala468=)

Gene: MAGEL2 (MAGE family member L2; minus strand). Cytogenetic location: 15q11.2.
Variant type: single nucleotide variant.
Coding change: c.1404C>A on transcript NM_019066.5 (MANE Select); coding-DNA position 1404, C replaced by A.
Protein change: p.Ala468=; no amino-acid change (alanine 468 retained).
Molecular consequence: synonymous variant.
Genome position (GRCh38, 1-based): chr15:23,646,339, G>T on the plus strand (C>A on the coding strand, the complement: MAGEL2 is on the minus strand). VCF-style: chr15-23646339-G-T. GRCh37 (hg19) VCF-style: chr15-23891486-G-T.
Identifiers: ClinVar variation 705431 (VCV000705431.40), dbSNP rs2233064, ClinGen allele CA7430042.
Genomic context (GRCh38, chr15:23,646,339, plus strand): 5'-CTGGCGGATCACAGGTGGAGCCTGGCGGATCACAGGTGGGGCCTGGCGGATCACAGGTGG[G>T]GCCTGGCGGATCACAGCGGGGGCCTGGCGGATCACGGGTGGGGCCTGGCGGATCACGGGT-3'
Protein context (NP_061939.3, residues 458-478): IRQAPAVIRQ[Ala468=]PPVIRQAPPV

ClinVar aggregate classification (germline): Benign. Review status: criteria provided, multiple submitters, no conflicts (2 of 4 stars). 6 submissions from 6 submitters: Benign (4). 2 of the submissions do not count toward it. Last evaluated 2026-01-28.

Allele frequency attached by ClinVar (database versions not stated): gnomAD exomes 0.00049; ExAC 0.00195; 1000 Genomes Project 0.00399.
gnomAD v4.1: 995 of 1,375,472 alleles (0.072%); highest among the groups gnomAD compares: African/African-American, 1.3%; 12 homozygotes.

Submissions (6):

Labcorp Genetics (formerly Invitae), Labcorp
Classification: Benign. Last evaluated: 2026-01-28. Review status: criteria provided, single submitter. Criteria: Invitae Variant Classification Sherloc (09022015). Collection method: clinical testing. Allele origin: germline.

CeGaT Center for Human Genetics Tuebingen
Classification: Benign. Last evaluated: 2023-04-01. Review status: criteria provided, single submitter. Criteria: CeGaT Center For Human Genetics Tuebingen Variant Classification Criteria Version 2. Collection method: clinical testing. Allele origin: germline. Affected: yes. Observed: 2 variant alleles.
Comment: MAGEL2: BP4, BP7, BS1, BS2

Genetic Services Laboratory, University of Chicago
Classification: Benign. Last evaluated: 2021-06-25. Review status: criteria provided, single submitter. Criteria: ACMG Guidelines, 2015. Collection method: clinical testing. Allele origin: germline. Affected: no.

Breakthrough Genomics
Classification: Benign. Review status: criteria provided, single submitter. Criteria: ACMG Guidelines, 2015. Collection method: not provided. Allele origin: germline. Inheritance: Autosomal dominant inheritance. Affected: yes.

Clinical Genetics DNA and cytogenetics Diagnostics Lab, Erasmus MC, Erasmus Medical Center
Classification: Likely benign. Review status: no assertion criteria provided. Collection method: clinical testing. Allele origin: germline. Affected: yes. Study: VKGL Data-share Consensus. Not counted in ClinVar's aggregate classification.

Clinical Genetics, Academic Medical Center
Classification: Likely benign. Review status: no assertion criteria provided. Collection method: clinical testing. Allele origin: germline. Affected: yes. Study: VKGL Data-share Consensus. Not counted in ClinVar's aggregate classification.